The following is an entry in ClinVar:

ClinVar aggregate classification (germline): Uncertain significance (1 of 4 stars; one submission).

Conditions:
Developmental and epileptic encephalopathy, 30 (DEE30). Also called: Epileptic encephalopathy, early infantile, 30. Identifiers: MedGen C4225360, MONDO:0014595, OMIM 616341.

Submission:

Labcorp Genetics (formerly Invitae), Labcorp
Classification: Uncertain significance for Developmental and epileptic encephalopathy, 30. Last evaluated: 2025-07-27. Review status: criteria provided, single submitter. Criteria: Invitae Variant Classification Sherloc (09022015). Collection method: clinical testing. Allele origin: germline.
Comment: This sequence change replaces leucine, which is neutral and non-polar, with serine, which is neutral and polar, at codon 663 of the SIK1 protein (p.Leu663Ser). This variant is not present in population databases (gnomAD no frequency). This variant has not been reported in the literature in individuals affected with SIK1-related conditions. ClinVar contains an entry for this variant (Variation ID: 1000093). Invitae Evidence Modeling of protein sequence and biophysical properties (such as structural, functional, and spatial information, amino acid conservation, physicochemical variation, residue mobility, and thermodynamic stability) indicates that this missense variant is not expected to disrupt SIK1 protein function with a negative predictive value of 95%. In summary, the available evidence is currently insufficient to determine the role of this variant in disease. Therefore, it has been classified as a Variant of Uncertain Significance.

NM_173354.5(SIK1):c.1988T>C (p.Leu663Ser)

Gene: SIK1 (salt inducible kinase 1; minus strand). Cytogenetic location: 21q22.3.
Variant type: single nucleotide variant.
Coding change: c.1988T>C on transcript NM_173354.5 (MANE Select); coding-DNA position 1988, T replaced by C.
Protein change: p.Leu663Ser; replaces leucine 663 with serine.
Molecular consequence: missense variant.
Genome position (GRCh38, 1-based): chr21:43,417,106, A>G on the plus strand (T>C on the coding strand, the complement: SIK1 is on the minus strand). VCF-style: chr21-43417106-A-G. GRCh37 (hg19) VCF-style: chr21-44836986-A-G.
Other names: short protein forms L663S.
Identifiers: ClinVar variation 1000093 (VCV001000093.9), dbSNP rs1285700273, ClinGen allele CA410606879.
Genomic context (GRCh38, chr21:43,417,106, plus strand): 5'-GGGGCAGGGGCCGGCTGGGGGGCCTGGGAGCAGCCGGGTGCAGCGGCCGGGTGGTGCTGT[A>G]ACTGGAGCAGCCTGTGGGAACAGAGGACAGGTGGTCACTGCGCCGGCTCGCAGGGTTCTC-3'
Protein context (NP_775490.2, residues 653-673): EVLEQQRLLQ[Leu663Ser]QHHPAAAPGC